The following is an entry in ClinVar:

ClinVar aggregate classification (germline): Pathogenic/Likely pathogenic. Review status: criteria provided, multiple submitters, no conflicts (2 of 4 stars). 2 submissions from 2 submitters: Pathogenic (1); Likely pathogenic (1). Last evaluated 2026-03-26.

Submissions (2):

Dasa
Classification: Likely pathogenic. Last evaluated: 2026-03-26. Review status: criteria provided, single submitter. Criteria: DASA Assertion Criteria. Collection method: clinical testing. Allele origin: germline.
Comment: NM_182641.4(BPTF):c.5212C>T (p.Arg1738*) is a nonsense variant in BPTF predicted to introduce a premature termination codon and is predicted to result in an absent or altered protein product. Loss of function is an established disease mechanism for BPTF (PMID: 28942966; PMID: 33522091). Also, this variant is absent from population databases. Based on the currently available evidence, this variant is classified as likely pathogenic.

GeneDx
Classification: Pathogenic. Last evaluated: 2022-06-27. Review status: criteria provided, single submitter. Criteria: GeneDx Variant Classification Process June 2021. Collection method: clinical testing. Allele origin: germline. Affected: yes.
Comment: Nonsense variant predicted to result in protein truncation or nonsense mediated decay in a gene for which loss-of-function is a known mechanism of disease; Not observed at significant frequency in large population cohorts (gnomAD); Has not been previously published as pathogenic or benign to our knowledge

Literature cited by the submitters: PubMed 28942966 (cited by Dasa); PubMed 33522091 (cited by Dasa).

NM_182641.4(BPTF):c.5212C>T (p.Arg1738Ter)

Gene: BPTF (bromodomain PHD finger transcription factor; plus strand). Cytogenetic location: 17q24.2.
Variant type: single nucleotide variant.
Coding change: c.5212C>T on transcript NM_182641.4 (MANE Select); coding-DNA position 5212, C replaced by T.
Protein change: p.Arg1738Ter; replaces arginine 1738 with a stop codon.
Molecular consequence: nonsense.
Genome position (GRCh38, 1-based): chr17:67,913,096, C>T. VCF-style: chr17-67913096-C-T. GRCh37 (hg19) VCF-style: chr17-65909212-C-T.
Other names: c.5590C>T, p.Arg1864Ter (NM_004459.7); short protein forms R1738*, R1864*.
Identifiers: ClinVar variation 1693351 (VCV001693351.4), dbSNP rs2146966936, ClinGen allele CA400732071.